The following is an entry in ClinVar:

NM_014892.5(SCAF8):c.2290G>T (p.Ala764Ser)

Gene: SCAF8 (SR-related CTD associated factor 8; plus strand). Cytogenetic location: 6q25.2.
Variant type: single nucleotide variant.
Coding change: c.2290G>T on transcript NM_014892.5 (MANE Select); coding-DNA position 2290, G replaced by T.
Protein change: p.Ala764Ser; replaces alanine 764 with serine.
Molecular consequence: missense variant.
Genome position (GRCh38, 1-based): chr6:154,831,071, G>T. VCF-style: chr6-154831071-G-T. GRCh37 (hg19) VCF-style: chr6-155152205-G-T.
Other names: c.2524G>T, p.Ala842Ser (NM_001286188.1); c.2488G>T, p.Ala830Ser (NM_001286189.1); c.2425G>T, p.Ala809Ser (NM_001286194.1); c.2290G>T, p.Ala764Ser (NM_001286199.2); short protein forms A764S, A809S, A830S, A842S.
Identifiers: ClinVar variation 3902773 (VCV003902773.1).

ClinVar aggregate classification (germline): Uncertain significance (1 of 4 stars; one submission).

Submission:

Women's Health and Genetics/Laboratory Corporation of America, LabCorp
Classification: Uncertain significance. Last evaluated: 2025-05-21. Review status: criteria provided, single submitter. Criteria: LabCorp Variant Classification Summary - May 2015. Collection method: clinical testing. Allele origin: germline.
Comment: Variant summary: SCAF8 c.2290G>T (p.Ala764Ser) results in a conservative amino acid change in the encoded protein sequence. Algorithms developed to predict the effect of missense changes on protein structure and function all suggest that this variant is likely to be tolerated. The frequency data for this variant in gnomAD is considered unreliable, as metrics indicate poor data quality at this position. To our knowledge, no occurrence of c.2290G>T in individuals affected with SCAF8-Related Disorders and no experimental evidence demonstrating its impact on protein function have been reported. No submitters have cited clinical-significance assessments for this variant to ClinVar. Based on the evidence outlined above, the variant was classified as uncertain significance.